The following is an entry in ClinVar:

ClinVar aggregate classification (germline): Benign. Review status: criteria provided, single submitter (1 of 4 stars). 2 submissions from 2 submitters: Benign (1). 1 of the submissions does not count toward it. Last evaluated 2025-08-31.

Conditions:
TBX3-related disorder. Also called: TBX3-related condition.
Ulnar-mammary syndrome (UMS). Also called: SCHINZEL SYNDROME; Ulnar-mammary syndrome of Pallister; PALLISTER ULNAR-MAMMARY SYNDROME. Identifiers: Orphanet 3138, MedGen C1866994, MONDO:0008411, OMIM 181450.

Allele frequency attached by ClinVar (database versions not stated): gnomAD exomes 0.00012; ExAC 0.00021; ESP Exome Variant Server 0.00031; gnomAD 0.00046 and 0.00050; TOPMed 0.00051; 1000 Genomes Project 30x 0.00094; 1000 Genomes Project 0.00100.
gnomAD v4.1: 135 of 1,560,170 alleles (0.0087%); highest among the groups gnomAD compares: African/African-American, 0.15%; no homozygotes.

Submissions (2):

Labcorp Genetics (formerly Invitae), Labcorp
Classification: Benign for Ulnar-mammary syndrome. Last evaluated: 2025-08-31. Review status: criteria provided, single submitter. Criteria: Invitae Variant Classification Sherloc (09022015). Collection method: clinical testing. Allele origin: germline.

PreventionGenetics, part of Exact Sciences
Classification: Likely benign for TBX3-related condition. Last evaluated: 2022-08-02. Review status: no assertion criteria provided. Collection method: clinical testing. Allele origin: germline. Not counted in ClinVar's aggregate classification.
Comment: This variant is classified as likely benign based on ACMG/AMP sequence variant interpretation guidelines (Richards et al. 2015 PMID: 25741868, with internal and published modifications).

NM_005996.4(TBX3):c.2145G>T (p.Pro715=)

Gene: TBX3 (T-box transcription factor 3; minus strand). Cytogenetic location: 12q24.21.
Variant type: single nucleotide variant.
Coding change: c.2145G>T on transcript NM_005996.4 (MANE Select); coding-DNA position 2145, G replaced by T.
Protein change: p.Pro715=; no amino-acid change (proline 715 retained).
Molecular consequence: synonymous variant.
Genome position (GRCh38, 1-based): chr12:114,671,868, C>A on the plus strand (G>T on the coding strand, the complement: TBX3 is on the minus strand). VCF-style: chr12-114671868-C-A. GRCh37 (hg19) VCF-style: chr12-115109673-C-A.
Other names: c.2205G>T, p.Pro735= (NM_016569.4); c.2205G>T (NM_016569.3).
Identifiers: ClinVar variation 1601753 (VCV001601753.10), dbSNP rs142609038, ClinGen allele CA6809774.